The following is an entry in ClinVar:

NM_000321.3(RB1):c.245C>T (p.Ser82Leu)

Gene: RB1 (RB transcriptional corepressor 1; plus strand). Cytogenetic location: 13q14.2.
Variant type: single nucleotide variant.
Coding change: c.245C>T on transcript NM_000321.3 (MANE Select); coding-DNA position 245, C replaced by T.
Protein change: p.Ser82Leu; replaces serine 82 with leucine.
Molecular consequence: missense variant.
Genome position (GRCh38, 1-based): chr13:48,307,387, C>T. VCF-style: chr13-48307387-C-T. GRCh37 (hg19) VCF-style: chr13-48881523-C-T.
Other names: c.245C>T, p.Ser82Leu (NM_001407165.1, NM_001407166.1, NM_001407167.1); short protein forms S82L.
Identifiers: ClinVar variation 1791609 (VCV001791609.8), dbSNP rs755704180, ClinGen allele CA035609.

ClinVar aggregate classification (germline): Conflicting classifications of pathogenicity. Review status: criteria provided, conflicting classifications (1 of 4 stars). 2 submissions from 2 submitters: Uncertain significance (1); Likely benign (1). Last evaluated 2025-11-10.

Conditions:
Hereditary cancer-predisposing syndrome. Also called: Hereditary Cancer Syndrome; Hereditary neoplastic syndrome; Tumor predisposition; Neoplastic Syndromes, Hereditary. Identifiers: Orphanet 140162, MedGen C0027672, MeSH D009386, MONDO:0015356.
Retinoblastoma (RB1). Also called: RETINOBLASTOMA, SOMATIC. Identifiers: Orphanet 790, MedGen C0035335, MeSH D012175, MONDO:0008380, OMIM 180200, HP:0009919. Disease mechanism: loss of function. Inheritance: Both sporadic and heritable forms are tested..

Allele frequency attached by ClinVar (database versions not stated): gnomAD exomes below 0.00001; TOPMed below 0.00001; ExAC 0.00001.
gnomAD v4.1: 1 of 1,613,408 alleles (0.000062%); highest among the groups gnomAD compares: Non-Finnish European, 0.000085%; no homozygotes.

Submissions (2):

Labcorp Genetics (formerly Invitae), Labcorp
Classification: Uncertain significance for Retinoblastoma. Last evaluated: 2025-11-10. Review status: criteria provided, single submitter. Criteria: Invitae Variant Classification Sherloc (09022015). Collection method: clinical testing. Allele origin: germline.
Comment: This sequence change replaces serine, which is neutral and polar, with leucine, which is neutral and non-polar, at codon 82 of the RB1 protein (p.Ser82Leu). This variant is present in population databases (rs755704180, gnomAD 0.0009%). This variant has not been reported in the literature in individuals affected with RB1-related conditions. ClinVar contains an entry for this variant (Variation ID: 1791609). Invitae Evidence Modeling of protein sequence and biophysical properties (such as structural, functional, and spatial information, amino acid conservation, physicochemical variation, residue mobility, and thermodynamic stability) indicates that this missense variant is not expected to disrupt RB1 protein function with a negative predictive value of 80%. In summary, the available evidence is currently insufficient to determine the role of this variant in disease. Therefore, it has been classified as a Variant of Uncertain Significance.

Ambry Genetics
Classification: Likely benign for Hereditary cancer-predisposing syndrome. Last evaluated: 2025-02-13. Review status: criteria provided, single submitter. Criteria: Ambry Variant Classification Scheme 2023. Collection method: clinical testing. Allele origin: germline.